The following is an entry in ClinVar:

NM_000548.5(TSC2):c.1679T>C (p.Val560Ala)

Gene: TSC2 (TSC complex subunit 2; plus strand). Cytogenetic location: 16p13.3.
Variant type: single nucleotide variant.
Coding change: c.1679T>C on transcript NM_000548.5 (MANE Select); coding-DNA position 1679, T replaced by C.
Protein change: p.Val560Ala; replaces valine 560 with alanine.
Molecular consequence: missense variant.
Genome position (GRCh38, 1-based): chr16:2,065,598, T>C. VCF-style: chr16-2065598-T-C. GRCh37 (hg19) VCF-style: chr16-2115599-T-C.
Other names: c.1679T>C, p.Val560Ala (NM_001077183.3, NM_001114382.3, NM_001363528.2 and 3 more transcripts); c.1568T>C, p.Val523Ala (NM_001318827.2); c.1532T>C, p.Val511Ala (NM_001318829.2); c.1079T>C, p.Val360Ala (NM_001318831.2); c.1712T>C, p.Val571Ala (NM_001318832.2); short protein forms V560A, V523A, V571A, V360A, V511A.
Identifiers: ClinVar variation 819770 (VCV000819770.4), dbSNP rs1596317536, ClinGen allele CA394270502.

ClinVar aggregate classification (germline): Uncertain significance (1 of 4 stars; one submission).

Conditions:
Hereditary cancer-predisposing syndrome. Also called: Neoplastic Syndromes, Hereditary; Tumor predisposition; Hereditary Cancer Syndrome; Hereditary neoplastic syndrome. Identifiers: Orphanet 140162, MedGen C0027672, MeSH D009386, MONDO:0015356.

Allele frequency attached by ClinVar (database versions not stated): gnomAD exomes below 0.00001.
gnomAD v4.1: 1 of 1,613,834 alleles (0.000062%); highest among the groups gnomAD compares: African/African-American, 0.0013%; no homozygotes.

Submission:

Ambry Genetics
Classification: Uncertain significance for Hereditary cancer-predisposing syndrome. Last evaluated: 2019-05-28. Review status: criteria provided, single submitter. Criteria: Ambry Variant Classification Scheme 2023. Collection method: clinical testing. Allele origin: germline.
Comment: The p.V560A variant (also known as c.1679T>C), located in coding exon 15 of the TSC2 gene, results from a T to C substitution at nucleotide position 1679. The valine at codon 560 is replaced by alanine, an amino acid with similar properties. This amino acid position is highly conserved in available vertebrate species. In addition, this alteration is predicted to be deleterious by in silico analysis. Since supporting evidence is limited at this time, the clinical significance of this alteration remains unclear.